The following is an entry in ClinVar:

NM_000182.5(HADHA):c.1690-16A>G

Genes: GAREM2 (GRB2 associated regulator of MAPK1 subtype 2; plus strand), HADHA (hydroxyacyl-CoA dehydrogenase trifunctional multienzyme complex subunit alpha; minus strand). Cytogenetic location: 2p23.3.
Variant type: single nucleotide variant.
Coding change: c.1690-16A>G on transcript NM_000182.5 (MANE Select); 16 bases into the intron before coding-DNA position 1690, A replaced by G.
Molecular consequence: intron variant.
Genome position (GRCh38, 1-based): chr2:26,193,788, T>C on the plus strand (A>G on the coding strand, the complement: HADHA is on the minus strand). VCF-style: chr2-26193788-T-C. GRCh37 (hg19) VCF-style: chr2-26416657-T-C.
Other names: c.1690-16A>G (NM_000182.4).
Identifiers: ClinVar variation 2935920 (VCV002935920.5), dbSNP rs1173083410, ClinGen allele CA2576696631.

ClinVar aggregate classification (germline): Likely benign. Review status: criteria provided, single submitter (1 of 4 stars). 2 submissions from 2 submitters: Likely benign (1). 1 of the submissions does not count toward it. Last evaluated 2023-06-23.

Conditions:
HADHA-related disorder. Also called: HADHA-related disorders; HADHA-related condition.
Mitochondrial trifunctional protein deficiency. Identifiers: Orphanet 746, MedGen C1969443, MONDO:0012172.
Long chain 3-hydroxyacyl-CoA dehydrogenase deficiency. Also called: Deficiency of long-chain 3-hydroxyacyl-coenzyme A dehydrogenase; LCHAD Deficiency. Identifiers: Orphanet 5, MedGen C3711645, MONDO:0012173, OMIM 609016.

Submissions (2):

Labcorp Genetics (formerly Invitae), Labcorp
Classification: Likely benign for Mitochondrial trifunctional protein deficiency; Long chain 3-hydroxyacyl-CoA dehydrogenase deficiency. Last evaluated: 2023-06-23. Review status: criteria provided, single submitter. Criteria: Invitae Variant Classification Sherloc (09022015). Collection method: clinical testing. Allele origin: germline.

PreventionGenetics, part of Exact Sciences
Classification: Likely benign for HADHA-related condition. Last evaluated: 2022-12-07. Review status: no assertion criteria provided. Collection method: clinical testing. Allele origin: germline. Not counted in ClinVar's aggregate classification.
Comment: This variant is classified as likely benign based on ACMG/AMP sequence variant interpretation guidelines (Richards et al. 2015 PMID: 25741868, with internal and published modifications).